The following is an entry in ClinVar:

ClinVar aggregate classification (germline): Uncertain significance. Review status: criteria provided, multiple submitters, no conflicts (2 of 4 stars). 2 submissions from 2 submitters: Uncertain significance (2). Last evaluated 2025-03-31.

Allele frequency attached by ClinVar (database versions not stated): ESP Exome Variant Server 0.00015; 1000 Genomes Project 0.00020; gnomAD exomes 0.00001; gnomAD 0.00003; ExAC 0.00004; 1000 Genomes Project 30x 0.00031; TOPMed below 0.00001.

Submissions (2):

Labcorp Genetics (formerly Invitae), Labcorp
Classification: Uncertain significance. Last evaluated: 2025-03-31. Review status: criteria provided, single submitter. Criteria: Invitae Variant Classification Sherloc (09022015). Collection method: clinical testing. Allele origin: germline.
Comment: This sequence change replaces valine, which is neutral and non-polar, with isoleucine, which is neutral and non-polar, at codon 464 of the ARHGEF10 protein (p.Val464Ile). This variant is present in population databases (rs148840693, gnomAD 0.05%). This variant has not been reported in the literature in individuals affected with ARHGEF10-related conditions. ClinVar contains an entry for this variant (Variation ID: 2909518). Invitae Evidence Modeling of protein sequence and biophysical properties (such as structural, functional, and spatial information, amino acid conservation, physicochemical variation, residue mobility, and thermodynamic stability) indicates that this missense variant is not expected to disrupt ARHGEF10 protein function with a negative predictive value of 80%. In summary, the available evidence is currently insufficient to determine the role of this variant in disease. Therefore, it has been classified as a Variant of Uncertain Significance.

Ambry Genetics
Classification: Uncertain significance. Last evaluated: 2024-04-24. Review status: criteria provided, single submitter. Criteria: Ambry Variant Classification Scheme 2023. Collection method: clinical testing. Allele origin: germline.

NM_014629.4(ARHGEF10):c.1390G>A (p.Val464Ile)

Gene: ARHGEF10 (Rho guanine nucleotide exchange factor 10; plus strand). Cytogenetic location: 8p23.3.
Variant type: single nucleotide variant.
Coding change: c.1390G>A on transcript NM_014629.4 (MANE Select); coding-DNA position 1390, G replaced by A.
Protein change: p.Val464Ile; replaces valine 464 with isoleucine.
Molecular consequence: missense variant.
Genome position (GRCh38, 1-based): chr8:1,894,522, G>A. VCF-style: chr8-1894522-G-A. GRCh37 (hg19) VCF-style: chr8-1842688-G-A.
Other names: c.1276G>A, p.Val426Ile (NM_001308152.2); c.1393G>A, p.Val465Ile (NM_001308153.3); short protein forms V464I, V426I, V489I, V465I.
Identifiers: ClinVar variation 2909518 (VCV002909518.4), dbSNP rs148840693, ClinGen allele CA4600343.